The following is an entry in ClinVar:

NM_001754.5(RUNX1):c.610C>T (p.Arg204Ter)

Genes: RUNX1 (RUNX family transcription factor 1; minus strand), RUNX1-AS1 (RUNX1 antisense RNA 1; plus strand). Cytogenetic location: 21q22.12.
Variant type: single nucleotide variant.
Coding change: c.610C>T on transcript NM_001754.5 (MANE Select); coding-DNA position 610, C replaced by T.
Protein change: p.Arg204Ter; replaces arginine 204 with a stop codon.
Molecular consequence: nonsense.
Genome position (GRCh38, 1-based): chr21:34,859,477, G>A on the plus strand (C>T on the coding strand, the complement: RUNX1 is on the minus strand). VCF-style: chr21-34859477-G-A. GRCh37 (hg19) VCF-style: chr21-36231774-G-A.
Other names: NM_001754.5(RUNX1):c.610C>T; p.Arg204Ter; c.529C>T, p.Arg177Ter (NM_001001890.3, NM_001122607.2); short protein forms R204*, R177*.
Identifiers: ClinVar variation 561252 (VCV000561252.17), dbSNP rs1569061768, ClinGen allele CA410207940.
Genomic context (GRCh38, chr21:34,859,477, plus strand): 5'-CAGCCTGGAGGGTGTACCAGCCTGGAGGGTGTACCAGCCCCAAGTGGATGCACTTACTTC[G>A]AGGTTCTCGGGGCCCATCCACTGTGATTTTGATGGCTCTGTGGTAGGTGGCGACTTGCGG-3'

ClinVar aggregate classification (germline): Pathogenic. Review status: reviewed by expert panel (3 of 4 stars). 8 submissions from 8 submitters: Pathogenic (1). 7 of the submissions do not count toward it. Last evaluated 2024-03-26.
ClinVar aggregate classification (oncogenicity): Oncogenic (1 of 4 stars; one submission).

Conditions:
RUNX1-related disorder. Also called: RUNX1-related condition.
Hereditary thrombocytopenia and hematologic cancer predisposition syndrome. Identifiers: Orphanet 71290, MedGen CN281654, MONDO:0011071.
Hereditary thrombocytopenia and hematological cancer predisposition syndrome associated with RUNX1. Also called: Familial Platelet Disorder with Propensity to Acute Myelogenous Leukemia; Familial thrombocytopenia with propensity to acute myelogenous leukemia; PLATELET DISORDER, ASPIRIN-LIKE; RUNX1 Familial Platelet Disorder with Associated Myeloid Malignancies. Identifiers: Orphanet 71290, MedGen C1832388, MeSH C563324, MONDO:0100083, OMIM 601399.
Thrombocytopenia. Identifiers: MedGen C0040034, MeSH D013921, MONDO:0002049, HP:0001873.
Neoplasm. Also called: tumor; Neoplasms; Neoplasm (disease). Identifiers: MedGen C0027651, MeSH D009369, MONDO:0005070, HP:0002664.

Submissions (9):

ClinGen Myeloid Malignancy Variant Curation Expert Panel
Classification: Pathogenic for Hereditary thrombocytopenia and hematologic cancer predisposition syndrome. Last evaluated: 2024-03-26. Review status: reviewed by expert panel. Criteria: ClinGen MyeloMalig ACMG Specifications v2. Collection method: curation. Allele origin: germline. Inheritance: Autosomal dominant inheritance.
Comment: The c.610C>T (Arg204Ter) variant is a nonsense variant that is predicted to introduce a premature stop codon in exon 5/8 and expected to result in nonsense-mediated mRNA decay (PVS1). It is completely absent from gnomAD v2.1.1 and v3 with at least 20x coverage for RUNX1 (PM2_supporting). This variant has been reported in three probands meeting at least one of the RUNX1- phenotypic criteria (PS4_Moderate; PMID: 32165484, 10508512, 26492932). It was also found to co-segregate with disease in multiple affected family members, with eight meioses observed in across 3 families (PP1_Strong; PMID: 10508512, 26492932 , 32165484). This variant is a nonsense/frameshift variants that is downstream of c.98 (PM5_Supporting). In summary, this variant meets criteria to be classified as pathogenic. ACMG/AMP criteria applied, as specified by the Myeloid Malignancy Variant Curation Expert Panel for RUNX1: PVS1, PP1_strong, PS4_moderate, PM2_supporting, PM5_supporting.

Labcorp Genetics (formerly Invitae), Labcorp
Classification: Pathogenic for Hereditary thrombocytopenia and hematological cancer predisposition syndrome associated with RUNX1. Last evaluated: 2025-09-02. Review status: criteria provided, single submitter. Criteria: Invitae Variant Classification Sherloc (09022015). Collection method: clinical testing. Allele origin: germline. Not counted in ClinVar's aggregate classification.
Comment: This sequence change creates a premature translational stop signal (p.Arg204*) in the RUNX1 gene. It is expected to result in an absent or disrupted protein product. Loss-of-function variants in RUNX1 are known to be pathogenic (PMID: 18723428, 24100448). This variant is not present in population databases (gnomAD no frequency). This premature translational stop signal has been observed in individual(s) with familial platelet disorder with predisposition to acute myelogenous leukemia (PMID: 10508512). It has also been observed to segregate with disease in related individuals. ClinVar contains an entry for this variant (Variation ID: 561252). For these reasons, this variant has been classified as Pathogenic.

Center for Genomic Medicine, Rigshospitalet, Copenhagen University Hospital
Classification: Oncogenic for Neoplasm. Last evaluated: 2025-03-04. Review status: criteria provided, single submitter. Criteria: ClinGen/CGC/VICC Guidelines for Oncogenicity, 2022. Collection method: clinical testing. Allele origin: somatic. Affected: yes.

GeneDx
Classification: Pathogenic. Last evaluated: 2024-01-18. Review status: criteria provided, single submitter. Criteria: GeneDx Variant Classification Process June 2021. Collection method: clinical testing. Allele origin: germline. Affected: yes. Not counted in ClinVar's aggregate classification.
Comment: Nonsense variant demonstrated to result in protein truncation, as the last 277 amino acids are lost, and other loss-of-function variants have been reported downstream in HGMD (PMID: 10508512, 10068652); Not observed at significant frequency in large population cohorts (gnomAD); Published functional studies demonstrate truncated protein with defects in DNA binding and transcriptional activity (PMID: 10068652); Also known as p.R177*; This variant is associated with the following publications: (PMID: 27479822, 25525159, 33351114, 37738626, 31124578, 10973259, 37303296, 32060405, 32208489, 34958450, 18723428, 24100448, Nitschke2023[article], 26492932, 32581362, 10508512, 10068652, 32165484, 32315381)

Blueprint Genetics
Classification: Pathogenic for RUNX1-related disorders. Last evaluated: 2023-07-14. Review status: criteria provided, single submitter. Criteria: ACMG Guidelines, 2015. Collection method: clinical testing. Allele origin: germline. Affected: yes. Observed: 2 variant alleles. Not counted in ClinVar's aggregate classification.

PreventionGenetics, part of Exact Sciences
Classification: Pathogenic. Last evaluated: 2014-01-03. Review status: criteria provided, single submitter. Criteria: ACMG Guidelines, 2015. Collection method: clinical testing. Allele origin: germline. Not counted in ClinVar's aggregate classification.

ISTH-SSC Genomics in Thrombosis and Hemostasis, KU Leuven, Center for Molecular and Vascular Biology
Classification: Pathogenic for Hereditary thrombocytopenia and hematological cancer predisposition syndrome associated with RUNX1. Review status: criteria provided, single submitter. Criteria: ACMG Guidelines, 2015. Collection method: clinical testing. Allele origin: germline. Affected: yes. Observed: 1 heterozygote. Not counted in ClinVar's aggregate classification.
Comment: Submitted to GoldVariant by Jose María Bastida and José Rivera; Grupo Español de Alteraciones Plaquetarias Congénitas (GEAPC)

Biochemical Molecular Genetic Laboratory, King Abdulaziz Medical City
Classification: Pathogenic for Hereditary thrombocytopenia and hematological cancer predisposition syndrome associated with RUNX1. Last evaluated: 2019-09-26. Review status: no assertion criteria provided. Collection method: clinical testing. Allele origin: germline. Affected: yes. Not counted in ClinVar's aggregate classification.

NIHR Bioresource Rare Diseases, University of Cambridge
Classification: Likely pathogenic for Thrombocytopenia. Review status: no assertion criteria provided. Collection method: research. Allele origin: unknown. Affected: yes. Observed: 1 variant allele. Not counted in ClinVar's aggregate classification.

Literature cited by the submitters: PubMed 18723428 (cited by Labcorp Genetics (formerly Invitae), Labcorp); PubMed 24100448 (cited by Labcorp Genetics (formerly Invitae), Labcorp); PubMed 10508512 (cited by Labcorp Genetics (formerly Invitae), Labcorp); PubMed 23817177 (cited by Center for Genomic Medicine, Rigshospitalet, Copenhagen University Hospital); PubMed 10973259 (cited by ISTH-SSC Genomics in Thrombosis and Hemostasis, KU Leuven, Center for Molecular and Vascular Biology); PubMed 32581362 (cited by NIHR Bioresource Rare Diseases, University of Cambridge).